The following is an entry in ClinVar:

ClinVar aggregate classification (germline): Uncertain significance. Review status: criteria provided, multiple submitters, no conflicts (2 of 4 stars). 3 submissions from 3 submitters: Uncertain significance (2). 1 of the submissions does not count toward it. Last evaluated 2026-07-02.

Conditions:
SAMD9-related disorder. Also called: SAMD9-related condition.
Normophosphatemic familial tumoral calcinosis. Also called: CALCINOSIS, TUMORAL, WITH NORMOPHOSPHATEMIA. Identifiers: Orphanet 306658, Orphanet 53715, MedGen C1864861, MONDO:0012502, OMIM 610455.

Submissions (3):

Myriad Genetics, Inc.
Classification: Uncertain significance for Normophosphatemic familial tumoral calcinosis. Last evaluated: 2026-07-02. Review status: criteria provided, single submitter. Criteria: Myriad Autosomal Dominant, Autosomal Recessive and X-Linked Classification Criteria (2023). Collection method: clinical testing. Allele origin: unknown.
Comment: NM_017654.3(SAMD9):c.213_219dup7(L74Qfs*9) is a frameshift variant classified as a variant of uncertain significance in the context of normophosphatemic familial tumoral calcinosis. L74Qfs*9 has not been observed in cases with relevant disease. Relevant functional assessments of this variant are not available in the literature. L74Qfs*9 has been observed in referenced population frequency databases. In summary, there is insufficient evidence to classify NM_017654.3(SAMD9):c.213_219dup7(L74Qfs*9) as pathogenic or benign. Please note: this variant was assessed in the context of healthy population screening.

GeneDx
Classification: Uncertain significance. Last evaluated: 2024-02-23. Review status: criteria provided, single submitter. Criteria: GeneDx Variant Classification Process June 2021. Collection method: clinical testing. Allele origin: germline. Affected: yes.
Comment: Not observed at significant frequency in large population cohorts (gnomAD); Frameshift variant predicted to result in abnormal protein length as the last 1516 amino acids are replaced with 8 different amino acids, in a gene for which loss of function is not an established mechanism of disease; Has not been previously published as pathogenic or benign to our knowledge; This variant is associated with the following publications: (PMID: 28545555)

PreventionGenetics, part of Exact Sciences
Classification: Uncertain significance for SAMD9-related condition. Last evaluated: 2024-09-22. Review status: no assertion criteria provided. Collection method: clinical testing. Allele origin: germline. Not counted in ClinVar's aggregate classification.
Comment: The SAMD9 c.213_219dup7 variant is predicted to result in a frameshift and premature protein termination (p.Leu74Glnfs*9). To our knowledge, this variant has not been reported in the literature. This variant is reported in 0.00088% of alleles in individuals of European (Non-Finnish) descent in gnomAD. Loss of function is not an established mechanism of SAMD9-related disease. At this time, the clinical significance of this variant is uncertain due to the absence of conclusive functional and genetic evidence.

NM_017654.4(SAMD9):c.213_219dup (p.Leu74fs)

Gene: SAMD9 (sterile alpha motif domain containing 9; minus strand). Cytogenetic location: 7q21.2.
Variant type: Duplication.
Coding change: c.213_219dup on transcript NM_017654.4 (MANE Select); coding-DNA positions 213 to 219, 7 bases duplicated (CAAAGAA; older notation c.213_219dupCAAAGAA).
Protein change: p.Leu74fs; shifts the reading frame from leucine 74.
Molecular consequence: frameshift variant.
Genome position (GRCh38, 1-based): chr7:93,105,879-93,105,885, TTCTTTG duplicated on the plus strand (CAAAGAA on the coding strand, the reverse complement: SAMD9 is on the minus strand). VCF-style (leftmost placement, unchanged base first): chr7-93105878-A-ATTCTTTG. GRCh37 (hg19) VCF-style: chr7-92735191-A-ATTCTTTG.
Other names: c.213_219dup7 (NM_017654.3); c.213_219dup (NM_017654.3); c.213_219dup, p.Leu74fs (NM_001193307.2); short protein forms L74fs.
Identifiers: ClinVar variation 3349141 (VCV003349141.3).